The following is an entry in ClinVar:

NM_001042492.3(NF1):c.3566A>G (p.Gln1189Arg)

Gene: NF1 (neurofibromin 1; plus strand). Cytogenetic location: 17q11.2.
Variant type: single nucleotide variant.
Coding change: c.3566A>G on transcript NM_001042492.3 (MANE Select); coding-DNA position 3566, A replaced by G.
Protein change: p.Gln1189Arg; replaces glutamine 1189 with arginine.
Molecular consequence: missense variant.
Genome position (GRCh38, 1-based): chr17:31,233,071, A>G. VCF-style: chr17-31233071-A-G. GRCh37 (hg19) VCF-style: chr17-29560089-A-G.
Other names: c.3566A>G, p.Gln1189Arg (NM_000267.4); short protein forms Q1189R.
Identifiers: ClinVar variation 439987 (VCV000439987.12), dbSNP rs752039618, ClinGen allele CA8486195.
Genomic context (GRCh38, chr17:31,233,071, plus strand): 5'-ACCACAAGGATCTCCAGACAAGAGCTACATTTATGGAAGTTCTGACAAAAATCCTTCAAC[A>G]AGGCACAGAATTTGACACACTTGCAGAAACAGTATTGGCTGATCGGTTTGAGAGATTGGT-3'
Protein context (NP_001035957.1, residues 1179-1199): FMEVLTKILQ[Gln1189Arg]GTEFDTLAET

ClinVar aggregate classification (germline): Pathogenic/Likely pathogenic. Review status: criteria provided, multiple submitters, no conflicts (2 of 4 stars). 3 submissions from 3 submitters: Pathogenic (1); Likely pathogenic (2). Last evaluated 2026-01-27.

Conditions:
Neurofibromatosis, type 1 (NF1). Also called: NEUROFIBROMATOSIS, TYPE I, SOMATIC; VON RECKLINGHAUSEN DISEASE; Neurofibromatosis, type I; Peripheral type neurofibromatosis. Identifiers: Orphanet 636, MedGen C0027831, MONDO:0018975, OMIM 162200. Disease mechanism: loss of function.

Allele frequency attached by ClinVar (database versions not stated): gnomAD exomes below 0.00001; ExAC 0.00001.
gnomAD v4.1: 1 of 1,614,214 alleles (0.000062%); highest among the groups gnomAD compares: Non-Finnish European, 0.000085%; no homozygotes.

Submissions (3):

3billion
Classification: Likely pathogenic for Neurofibromatosis, type 1. Last evaluated: 2026-01-27. Review status: criteria provided, single submitter. Criteria: ACMG Guidelines, 2015. Collection method: clinical testing. Allele origin: germline. Affected: yes.
Comment: The variant is observed at an extremely low frequency in the gnomAD v4.1.0 dataset (total allele frequency: <0.001%). Predicted Consequence/Location: Missense variant In silico tool predictions suggest damaging effect of the variant on gene or gene product [3Cnet: 0.99 (> 0.75, sensitivity 0.96 and precision 0.92)]. The same nucleotide change resulting in the same amino acid change has been previously reported as pathogenic/likely pathogenic with strong evidence (ClinVar ID: VCV000439987 /PMID: 23758643). Therefore, this variant is classified as Likely pathogenic according to the recommendation of ACMG/AMP guideline.

Labcorp Genetics (formerly Invitae), Labcorp
Classification: Pathogenic for Neurofibromatosis, type 1. Last evaluated: 2025-09-07. Review status: criteria provided, single submitter. Criteria: Invitae Variant Classification Sherloc (09022015). Collection method: clinical testing. Allele origin: germline.
Comment: This sequence change replaces glutamine, which is neutral and polar, with arginine, which is basic and polar, at codon 1189 of the NF1 protein (p.Gln1189Arg). This variant is present in population databases (rs752039618, gnomAD 0.0009%). This missense change has been observed in individual(s) with clinical features of NF1-related conditions (PMID: 23758643; internal data). In at least one individual the variant was observed to be de novo. ClinVar contains an entry for this variant (Variation ID: 439987). Invitae Evidence Modeling of protein sequence and biophysical properties (such as structural, functional, and spatial information, amino acid conservation, physicochemical variation, residue mobility, and thermodynamic stability) indicates that this missense variant is expected to disrupt NF1 protein function with a positive predictive value of 95%. For these reasons, this variant has been classified as Pathogenic.

ARUP Laboratories, Molecular Genetics and Genomics, ARUP Laboratories
Classification: Likely pathogenic. Last evaluated: 2016-11-11. Review status: criteria provided, single submitter. Criteria: ARUP Molecular Germline Variant Investigation Process. Collection method: clinical testing. Allele origin: germline.

Literature cited by the submitters: PubMed 23758643 (cited by 3billion and Labcorp Genetics (formerly Invitae), Labcorp).